The following is an entry in ClinVar:

ClinVar aggregate classification (germline): Conflicting classifications of pathogenicity. Review status: criteria provided, conflicting classifications (1 of 4 stars). 2 submissions from 2 submitters: Uncertain significance (1); Likely benign (1). Last evaluated 2023-03-23.

Conditions:
Hereditary cancer-predisposing syndrome. Also called: Tumor predisposition; Hereditary Cancer Syndrome; Hereditary neoplastic syndrome; Neoplastic Syndromes, Hereditary. Identifiers: Orphanet 140162, MedGen C0027672, MeSH D009386, MONDO:0015356.
Hereditary breast ovarian cancer syndrome. Also called: Hereditary breast and ovarian cancer; BRCA1- and BRCA2-Associated Hereditary Breast and Ovarian Cancer; Hereditary breast and ovarian cancer syndrome; Hereditary breast and ovarian cancer syndrome (HBOC); Breast and ovarian cancer; Hereditary breast and/or ovarian cancer syndrome. Identifiers: Orphanet 145, MedGen C0677776, MeSH D061325, MONDO:0003582. Disease mechanism: loss of function.

Submissions (2):

University of Washington Department of Laboratory Medicine, University of Washington
Classification: Likely benign for Hereditary cancer-predisposing syndrome. Last evaluated: 2023-03-23. Review status: criteria provided, single submitter. Criteria: Dines et al. (Genet Med. 2020). Collection method: curation. Allele origin: germline.
Comment: Missense variant in a coldspot region where missense variants are very unlikely to be pathogenic (PMID:31911673).

BRCA2 exon 11 coldspot. Reclassification based on statistical prior probability.

Labcorp Genetics (formerly Invitae), Labcorp
Classification: Uncertain significance for Hereditary breast ovarian cancer syndrome. Last evaluated: 2021-08-05. Review status: criteria provided, single submitter. Criteria: Invitae Variant Classification Sherloc (09022015). Collection method: clinical testing. Allele origin: germline.
Comment: This sequence change replaces valine with alanine at codon 1078 of the BRCA2 protein (p.Val1078Ala). The valine residue is moderately conserved and there is a small physicochemical difference between valine and alanine. In summary, the available evidence is currently insufficient to determine the role of this variant in disease. Therefore, it has been classified as a Variant of Uncertain Significance. Advanced modeling of protein sequence and biophysical properties (such as structural, functional, and spatial information, amino acid conservation, physicochemical variation, residue mobility, and thermodynamic stability) performed at Invitae indicates that this missense variant is not expected to disrupt BRCA2 protein function. This variant has not been reported in the literature in individuals affected with BRCA2-related conditions. This variant is not present in population databases (ExAC no frequency).

NM_000059.4(BRCA2):c.3233T>C (p.Val1078Ala)

Gene: BRCA2 (BRCA2 DNA repair associated; plus strand). Cytogenetic location: 13q13.1.
Variant type: single nucleotide variant.
Coding change: c.3233T>C on transcript NM_000059.4 (MANE Select); coding-DNA position 3233, T replaced by C.
Protein change: p.Val1078Ala; replaces valine 1078 with alanine.
Molecular consequence: missense variant.
Genome position (GRCh38, 1-based): chr13:32,337,588, T>C. VCF-style: chr13-32337588-T-C. GRCh37 (hg19) VCF-style: chr13-32911725-T-C.
Other names: short protein forms V1078A.
Identifiers: ClinVar variation 1479719 (VCV001479719.7), dbSNP rs1270386176, ClinGen allele CA387775928.